The following is an entry in ClinVar:

NM_017575.5(SMG6):c.585A>G (p.Pro195=)

Gene: SMG6 (SMG6 nonsense mediated mRNA decay factor; minus strand). Cytogenetic location: 17p13.3.
Variant type: single nucleotide variant.
Coding change: c.585A>G on transcript NM_017575.5 (MANE Select); coding-DNA position 585, A replaced by G.
Protein change: p.Pro195=; no amino-acid change (proline 195 retained).
Molecular consequence: synonymous variant.
Genome position (GRCh38, 1-based): chr17:2,300,168, T>C on the plus strand (A>G on the coding strand, the complement: SMG6 is on the minus strand). VCF-style: chr17-2300168-T-C. GRCh37 (hg19) VCF-style: chr17-2203462-T-C.
Identifiers: ClinVar variation 2647217 (VCV002647217.24), dbSNP rs140746531, ClinGen allele CA8279178.

ClinVar aggregate classification (germline): Likely benign (1 of 4 stars; one submission).

Allele frequency attached by ClinVar (database versions not stated): gnomAD exomes 0.00004; ExAC 0.00016; ESP Exome Variant Server 0.00046; 1000 Genomes Project 30x 0.00047; TOPMed 0.00051; gnomAD 0.00058; 1000 Genomes Project 0.00060.
gnomAD v4.1: 151 of 1,614,106 alleles (0.0094%); highest among the groups gnomAD compares: African/African-American, 0.17%; no homozygotes.

Submission:

CeGaT Center for Human Genetics Tuebingen
Classification: Likely benign. Last evaluated: 2022-05-01. Review status: criteria provided, single submitter. Criteria: CeGaT Center For Human Genetics Tuebingen Variant Classification Criteria Version 2. Collection method: clinical testing. Allele origin: germline. Affected: yes. Observed: 1 variant allele.
Comment: SMG6: BP4, BP7